The following is an entry in ClinVar:

ClinVar aggregate classification (germline): Uncertain significance. Review status: criteria provided, multiple submitters, no conflicts (2 of 4 stars). 4 submissions from 4 submitters: Uncertain significance (4). Last evaluated 2025-01-27.

Conditions:
Chédiak-Higashi syndrome (CHS). Also called: Chediak-Higashi Syndrome. Identifiers: Orphanet 167, MedGen C0007965, MONDO:0008963, OMIM 214500.

Allele frequency attached by ClinVar (database versions not stated): TOPMed 0.00005; ESP Exome Variant Server 0.00008; gnomAD 0.00008.
gnomAD v4.1: 226 of 1,613,298 alleles (0.014%); highest among the groups gnomAD compares: Non-Finnish European, 0.017%; no homozygotes.

Submissions (4):

Labcorp Genetics (formerly Invitae), Labcorp
Classification: Uncertain significance for Chédiak-Higashi syndrome. Last evaluated: 2025-01-27. Review status: criteria provided, single submitter. Criteria: Invitae Variant Classification Sherloc (09022015). Collection method: clinical testing. Allele origin: germline.
Comment: This sequence change replaces serine, which is neutral and polar, with arginine, which is basic and polar, at codon 814 of the LYST protein (p.Ser814Arg). This variant is present in population databases (rs377213567, gnomAD 0.01%). This variant has not been reported in the literature in individuals affected with LYST-related conditions. ClinVar contains an entry for this variant (Variation ID: 662722). Invitae Evidence Modeling of protein sequence and biophysical properties (such as structural, functional, and spatial information, amino acid conservation, physicochemical variation, residue mobility, and thermodynamic stability) indicates that this missense variant is not expected to disrupt LYST protein function with a negative predictive value of 80%. In summary, the available evidence is currently insufficient to determine the role of this variant in disease. Therefore, it has been classified as a Variant of Uncertain Significance.

Women's Health and Genetics/Laboratory Corporation of America, LabCorp
Classification: Uncertain significance. Last evaluated: 2023-10-26. Review status: criteria provided, single submitter. Criteria: LabCorp Variant Classification Summary - May 2015. Collection method: clinical testing. Allele origin: germline.
Comment: Variant summary: LYST c.2442T>A (p.Ser814Arg) results in a non-conservative amino acid change in the encoded protein sequence. Three of five in-silico tools predict a benign effect of the variant on protein function. The variant allele was found at a frequency of 4.4e-05 in 251132 control chromosomes. This frequency is not significantly higher than estimated for a pathogenic variant in LYST causing Chediak-Higashi Syndrome (4.4e-05 vs 0.0011), allowing no conclusion about variant significance. To our knowledge, no occurrence of c.2442T>A in individuals affected with Chediak-Higashi Syndrome and no experimental evidence demonstrating its impact on protein function have been reported. Two submitters have cited clinical-significance assessments for this variant to ClinVar after 2014. All submitters classified the variant as uncertain significance. Based on the evidence outlined above, the variant was classified as uncertain significance.

Blueprint Genetics
Classification: Uncertain significance. Last evaluated: 2021-12-07. Review status: criteria provided, single submitter. Criteria: ACMG Guidelines, 2015. Collection method: clinical testing. Allele origin: germline.

Illumina Laboratory Services, Illumina
Classification: Uncertain significance for Chédiak-Higashi syndrome. Last evaluated: 2018-01-13. Review status: criteria provided, single submitter. Criteria: ICSL Variant Classification Criteria 13 December 2019. Collection method: clinical testing. Allele origin: germline.

NM_000081.4(LYST):c.2442T>A (p.Ser814Arg)

Gene: LYST (lysosomal trafficking regulator; minus strand). Cytogenetic location: 1q42.3.
Variant type: single nucleotide variant.
Coding change: c.2442T>A on transcript NM_000081.4 (MANE Select); coding-DNA position 2442, T replaced by A.
Protein change: p.Ser814Arg; replaces serine 814 with arginine.
Molecular consequence: missense variant.
Genome position (GRCh38, 1-based): chr1:235,806,694, A>T on the plus strand (T>A on the coding strand, the complement: LYST is on the minus strand). VCF-style: chr1-235806694-A-T. GRCh37 (hg19) VCF-style: chr1-235969994-A-T.
Other names: c.2442T>A, p.Ser814Arg (NM_001301365.1); short protein forms S814R.
Identifiers: ClinVar variation 662722 (VCV000662722.12), dbSNP rs377213567, ClinGen allele CA1467276.